The following is an entry in ClinVar:

ClinVar aggregate classification (germline): Uncertain significance (1 of 4 stars; one submission).

Conditions:
Charcot-Marie-Tooth disease axonal type 2O. Also called: CHARCOT-MARIE-TOOTH NEUROPATHY, AXONAL, TYPE 2O; CHARCOT-MARIE-TOOTH DISEASE, AXONAL, AUTOSOMAL DOMINANT, TYPE 2O; Charcot-Marie-Tooth Neuropathy Type 2O; Charcot-Marie-Tooth disease, axonal, type 20. Identifiers: Orphanet 284232, MedGen C3280220, MONDO:0013644, OMIM 614228.

Allele frequency attached by ClinVar (database versions not stated): gnomAD exomes below 0.00001; TOPMed below 0.00001; ExAC 0.00001.
gnomAD v4.1: 1 of 1,614,188 alleles (0.000062%); highest among the groups gnomAD compares: Non-Finnish European, 0.000085%; no homozygotes.

Submission:

Labcorp Genetics (formerly Invitae), Labcorp
Classification: Uncertain significance for Charcot-Marie-Tooth disease axonal type 2O. Last evaluated: 2023-12-09. Review status: criteria provided, single submitter. Criteria: Invitae Variant Classification Sherloc (09022015). Collection method: clinical testing. Allele origin: germline.
Comment: This sequence change replaces leucine, which is neutral and non-polar, with proline, which is neutral and non-polar, at codon 3161 of the DYNC1H1 protein (p.Leu3161Pro). This variant is not present in population databases (gnomAD no frequency). This variant has not been reported in the literature in individuals affected with DYNC1H1-related conditions. Advanced modeling of protein sequence and biophysical properties (such as structural, functional, and spatial information, amino acid conservation, physicochemical variation, residue mobility, and thermodynamic stability) performed at Invitae indicates that this missense variant is expected to disrupt DYNC1H1 protein function with a positive predictive value of 80%. In summary, the available evidence is currently insufficient to determine the role of this variant in disease. Therefore, it has been classified as a Variant of Uncertain Significance.

NM_001376.5(DYNC1H1):c.9482T>C (p.Leu3161Pro)

Gene: DYNC1H1 (dynein cytoplasmic 1 heavy chain 1; plus strand). Cytogenetic location: 14q32.31.
Variant type: single nucleotide variant.
Coding change: c.9482T>C on transcript NM_001376.5 (MANE Select); coding-DNA position 9482, T replaced by C.
Protein change: p.Leu3161Pro; replaces leucine 3161 with proline.
Molecular consequence: missense variant.
Genome position (GRCh38, 1-based): chr14:102,029,552, T>C. VCF-style: chr14-102029552-T-C. GRCh37 (hg19) VCF-style: chr14-102495889-T-C.
Other names: short protein forms L3161P.
Identifiers: ClinVar variation 2863553 (VCV002863553.3), dbSNP rs760640376, ClinGen allele CA7353239.
Genomic context (GRCh38, chr14:102,029,552, plus strand): 5'-TCACAGAGTTTCCTGAAGAGTGAGAAGATGTAACTATTTTCTGAAAGGCGAATGCTCGGC[T>C]AGCAAAGCGAGGCGGCAGAACGATGGCCATCACCCCTCGCCACTACCTGGACTTCATCAA-3'
Protein context (NP_001367.2, residues 3151-3171): HQTLHQANAR[Leu3161Pro]AKRGGRTMAI